The following is an entry in ClinVar:

NM_006231.4(POLE):c.5157A>T (p.Ser1719=)

Gene: POLE (DNA polymerase epsilon, catalytic subunit; minus strand). Cytogenetic location: 12q24.33.
Variant type: single nucleotide variant.
Coding change: c.5157A>T on transcript NM_006231.4 (MANE Select); coding-DNA position 5157, A replaced by T.
Protein change: p.Ser1719=; no amino-acid change (serine 1719 retained).
Molecular consequence: synonymous variant.
Genome position (GRCh38, 1-based): chr12:132,642,193, T>A on the plus strand (A>T on the coding strand, the complement: POLE is on the minus strand). VCF-style: chr12-132642193-T-A. GRCh37 (hg19) VCF-style: chr12-133218779-T-A.
Identifiers: ClinVar variation 390247 (VCV000390247.12), dbSNP rs1057523692, ClinGen allele CA16606417.

ClinVar aggregate classification (germline): Likely benign. Review status: criteria provided, multiple submitters, no conflicts (2 of 4 stars). 3 submissions from 3 submitters: Likely benign (3). Last evaluated 2026-01-21.

Conditions:
Hereditary cancer-predisposing syndrome. Also called: Hereditary Cancer Syndrome; Hereditary neoplastic syndrome; Neoplastic Syndromes, Hereditary; Tumor predisposition. Identifiers: Orphanet 140162, MedGen C0027672, MeSH D009386, MONDO:0015356.

Allele frequency attached by ClinVar (database versions not stated): TOPMed below 0.00001.
gnomAD v4.1: 2 of 1,582,874 alleles (0.00013%); highest among the groups gnomAD compares: Non-Finnish European, 0.00017%; no homozygotes.

Submissions (3):

Labcorp Genetics (formerly Invitae), Labcorp
Classification: Likely benign. Last evaluated: 2026-01-21. Review status: criteria provided, single submitter. Criteria: Invitae Variant Classification Sherloc (09022015). Collection method: clinical testing. Allele origin: germline.

Ambry Genetics
Classification: Likely benign for Hereditary cancer-predisposing syndrome. Last evaluated: 2019-03-18. Review status: criteria provided, single submitter. Criteria: Ambry Variant Classification Scheme 2023. Collection method: clinical testing. Allele origin: germline.

GeneDx
Classification: Likely benign. Last evaluated: 2016-10-19. Review status: criteria provided, single submitter. Criteria: GeneDx Variant Classification (06012015). Collection method: clinical testing. Allele origin: germline. Affected: yes.
Comment: This variant is considered likely benign or benign based on one or more of the following criteria: it is a conservative change, it occurs at a poorly conserved position in the protein, it is predicted to be benign by multiple in silico algorithms, and/or has population frequency not consistent with disease.